The following is an entry in ClinVar:

NM_000179.3(MSH6):c.3944A>C (p.Lys1315Thr)

Gene: MSH6 (mutS homolog 6; plus strand). Cytogenetic location: 2p16.3.
Variant type: single nucleotide variant.
Coding change: c.3944A>C on transcript NM_000179.3 (MANE Select); coding-DNA position 3944, A replaced by C.
Protein change: p.Lys1315Thr; replaces lysine 1315 with threonine.
Molecular consequence: missense variant. On other transcripts: non-coding transcript variant (5), intron variant (1), synonymous variant (1).
Genome position (GRCh38, 1-based): chr2:47,806,594, A>C. VCF-style: chr2-47806594-A-C. GRCh37 (hg19) VCF-style: chr2-48033733-A-C.
Other names: c.3898-185A>C (NM_001406802.1); c.3554A>C, p.Lys1185Thr (NM_001281492.2); c.3038A>C, p.Lys1013Thr (NM_001281493.2, NM_001281494.2, NM_001406811.1 and 6 more transcripts); c.4040A>C, p.Lys1347Thr (NM_001406795.1); c.3944A>C, p.Lys1315Thr (NM_001406796.1, NM_001406808.1, NM_001406809.1); c.3647A>C, p.Lys1216Thr (NM_001406797.1, NM_001406801.1, NM_001406805.1 and 10 more transcripts); c.3770A>C, p.Lys1257Thr (NM_001406798.1); c.3419A>C, p.Lys1140Thr (NM_001406799.1, NM_001406806.1, NM_001406807.1); and 9 more; short protein forms K1027T, K1216T, K1347T, K1259T, K1315T, K793T, K1013T, K1140T.
Identifiers: ClinVar variation 4764090 (VCV004764090.1).

ClinVar aggregate classification (germline): Uncertain significance (1 of 4 stars; one submission).

Conditions:
Hereditary nonpolyposis colorectal neoplasms. Identifiers: MedGen C0009405, MeSH D003123.

Submission:

Labcorp Genetics (formerly Invitae), Labcorp
Classification: Uncertain significance for Hereditary nonpolyposis colorectal neoplasms. Last evaluated: 2025-11-03. Review status: criteria provided, single submitter. Criteria: Invitae Variant Classification Sherloc (09022015). Collection method: clinical testing. Allele origin: germline.
Comment: This sequence change replaces lysine, which is basic and polar, with threonine, which is neutral and polar, at codon 1315 of the MSH6 protein (p.Lys1315Thr). This variant is not present in population databases (gnomAD no frequency). This variant has not been reported in the literature in individuals affected with MSH6-related conditions. Invitae Evidence Modeling of protein sequence and biophysical properties (such as structural, functional, and spatial information, amino acid conservation, physicochemical variation, residue mobility, and thermodynamic stability) indicates that this missense variant is not expected to disrupt MSH6 protein function with a negative predictive value of 95%. In summary, the available evidence is currently insufficient to determine the role of this variant in disease. Therefore, it has been classified as a Variant of Uncertain Significance.